The following is an entry in ClinVar:

ClinVar aggregate classification (germline): Uncertain significance (1 of 4 stars; one submission).

Conditions:
Infantile liver failure syndrome 1 (ILFS1). Identifiers: Orphanet 370088, MedGen C3809522, MONDO:0024568, OMIM 615438.

Allele frequency attached by ClinVar (database versions not stated): gnomAD exomes below 0.00001.
gnomAD v4.1: 2 of 1,610,920 alleles (0.00012%); highest among the groups gnomAD compares: Non-Finnish European, 0.00017%; no homozygotes.

Submission:

Baylor Genetics
Classification: Uncertain significance for Infantile liver failure syndrome 1. Last evaluated: 2019-11-07. Review status: criteria provided, single submitter. Criteria: ACMG Guidelines, 2015. Collection method: clinical testing. Allele origin: unknown. Affected: yes.
Comment: This variant was determined to be of uncertain significance according to ACMG Guidelines, 2015 [PMID:25741868].

NM_020117.11(LARS1):c.1439A>G (p.Asp480Gly)

Gene: LARS1 (leucyl-tRNA synthetase 1; minus strand). Cytogenetic location: 5q32.
Variant type: single nucleotide variant.
Coding change: c.1439A>G on transcript NM_020117.11 (MANE Select); coding-DNA position 1439, A replaced by G.
Protein change: p.Asp480Gly; replaces aspartic acid 480 with glycine.
Molecular consequence: missense variant.
Genome position (GRCh38, 1-based): chr5:146,149,686, T>C on the plus strand (A>G on the coding strand, the complement: LARS1 is on the minus strand). VCF-style: chr5-146149686-T-C. GRCh37 (hg19) VCF-style: chr5-145529249-T-C.
Other names: c.1301A>G, p.Asp434Gly (NM_001317964.2); c.1277A>G, p.Asp426Gly (NM_001317965.2); c.1358A>G, p.Asp453Gly (NM_016460.4); short protein forms D434G, D426G, D453G, D480G.
Identifiers: ClinVar variation 1028641 (VCV001028641.1), dbSNP rs1753185601, ClinGen allele CA361610801.